The following is an entry in ClinVar:

NM_000330.4(RS1):c.311A>C (p.Asn104Thr)

Genes: CDKL5 (cyclin dependent kinase like 5; plus strand), RS1 (retinoschisin 1; minus strand). Cytogenetic location: Xp22.13.
Variant type: single nucleotide variant.
Coding change: c.311A>C on transcript NM_000330.4 (MANE Select); coding-DNA position 311, A replaced by C.
Protein change: p.Asn104Thr; replaces asparagine 104 with threonine.
Molecular consequence: missense variant. On other transcripts: intron variant (2).
Genome position (GRCh38, 1-based): chrX:18,647,206, T>G on the plus strand (A>C on the coding strand, the complement: RS1 is on the minus strand). VCF-style: chrX-18647206-T-G. GRCh37 (hg19) VCF-style: chrX-18665326-T-G.
Other names: c.2797+1116T>G (NM_003159.3, NM_001037343.2); short protein forms N104T.
Identifiers: ClinVar variation 1019831 (VCV001019831.10), dbSNP rs1927814979, ClinGen allele CA412372693.

ClinVar aggregate classification (germline): Pathogenic. Review status: criteria provided, single submitter (1 of 4 stars). 2 submissions from 2 submitters: Pathogenic (1). 1 of the submissions does not count toward it. Last evaluated 2022-10-13.

Conditions:
Retinal dystrophy. Also called: Inherited retinal dystrophy. Identifiers: Orphanet 71862, MedGen C0854723, MeSH D058499, MONDO:0019118, HP:0000556.

Submissions (2):

Labcorp Genetics (formerly Invitae), Labcorp
Classification: Pathogenic. Last evaluated: 2022-10-13. Review status: criteria provided, single submitter. Criteria: Invitae Variant Classification Sherloc (09022015). Collection method: clinical testing. Allele origin: germline.
Comment: For these reasons, this variant has been classified as Pathogenic. This variant disrupts the p.Asn104 amino acid residue in RS1. Other variant(s) that disrupt this residue have been observed in individuals with RS1-related conditions (PMID: 10234514, 32300273), which suggests that this may be a clinically significant amino acid residue. Advanced modeling of protein sequence and biophysical properties (such as structural, functional, and spatial information, amino acid conservation, physicochemical variation, residue mobility, and thermodynamic stability) performed at Invitae indicates that this missense variant is expected to disrupt RS1 protein function. ClinVar contains an entry for this variant (Variation ID: 1019831). This missense change has been observed in individual(s) with retinoschisis (Invitae). This variant is not present in population databases (gnomAD no frequency). This sequence change replaces asparagine, which is neutral and polar, with threonine, which is neutral and polar, at codon 104 of the RS1 protein (p.Asn104Thr).

Institute of Human Genetics, Univ. Regensburg, Univ. Regensburg
Classification: Likely pathogenic for Retinal dystrophy. Last evaluated: 2015-01-01. Review status: no assertion criteria provided. Criteria: ACMG Guidelines, 2015. Collection method: clinical testing. Allele origin: germline. Affected: yes. Not counted in ClinVar's aggregate classification.

Literature cited by the submitters: PubMed 10234514 (cited by Labcorp Genetics (formerly Invitae), Labcorp); PubMed 32300273 (cited by Labcorp Genetics (formerly Invitae), Labcorp).